The following is an entry in ClinVar:

NM_004380.3(CREBBP):c.6621_6644dup (p.Gln2216_Gly2217insGlnGlnGlnGlnGlnGlnGlnGln)

Gene: CREBBP (CREB binding lysine acetyltransferase; minus strand). Cytogenetic location: 16p13.3.
Variant type: Duplication.
Coding change: c.6621_6644dup on transcript NM_004380.3 (MANE Select); coding-DNA positions 6621 to 6644, 24 bases duplicated (ACAACAGCAGCAACAGCAGCAGCA).
Protein change: p.Gln2216_Gly2217insGlnGlnGlnGlnGlnGlnGlnGln.
Molecular consequence: inframe insertion.
Genome position (GRCh38, 1-based): chr16:3,728,403-3,728,426, TGCTGCTGCTGTTGCTGCTGTTGT duplicated on the plus strand (ACAACAGCAGCAACAGCAGCAGCA on the coding strand, the reverse complement: CREBBP is on the minus strand); duplicating any 24 consecutive bases within chr16:3,728,403-3,728,446 gives the same sequence; the c. name uses the placement nearest the transcript's 3' end. VCF-style (leftmost placement, unchanged base first): chr16-3728402-C-CTGCTGCTGCTGTTGCTGCTGTTGT. GRCh37 (hg19) VCF-style: chr16-3778403-C-CTGCTGCTGCTGTTGCTGCTGTTGT.
Other names: c.6621_6644dup24 (NM_004380.3); c.6507_6530dup, p.Gln2178_Gly2179insGlnGlnGlnGlnGlnGlnGlnGln (NM_001079846.1).
Identifiers: ClinVar variation 3606401 (VCV003606401.3).

ClinVar aggregate classification (germline): Uncertain significance. Review status: criteria provided, multiple submitters, no conflicts (2 of 4 stars). 2 submissions from 2 submitters: Uncertain significance (2). Last evaluated 2026-04-17.

Conditions:
Rubinstein-Taybi syndrome (RSTS). Identifiers: Orphanet 783, MedGen C0035934, MONDO:0019188.

Submissions (2):

Women's Health and Genetics/Laboratory Corporation of America, LabCorp
Classification: Uncertain significance. Last evaluated: 2026-04-17. Review status: criteria provided, single submitter. Criteria: LabCorp Variant Classification Summary - May 2015. Collection method: clinical testing. Allele origin: germline.
Comment: Variant summary: CREBBP c.6621_6644dup24 (p.Gln2209_Gln2216dup) results in an in-frame duplication that is predicted to duplicate 8 amino acids into the encoded protein. The frequency data for this variant in gnomAD is considered unreliable, as metrics indicate poor data quality at this position. To our knowledge, no occurrence of c.6621_6644dup24 in individuals affected with CREBBP-related conditions and no experimental evidence demonstrating its impact on protein function have been reported. ClinVar contains an entry for this variant (Variation ID: 3606401). Based on the evidence outlined above, the variant was classified as uncertain significance.

Labcorp Genetics (formerly Invitae), Labcorp
Classification: Uncertain significance for Rubinstein-Taybi syndrome. Last evaluated: 2025-03-17. Review status: criteria provided, single submitter. Criteria: Invitae Variant Classification Sherloc (09022015). Collection method: clinical testing. Allele origin: germline.
Comment: This variant, c.6621_6644dup, results in the insertion of 8 amino acid(s) of the CREBBP protein (p.Gln2209_Gln2216dup), but otherwise preserves the integrity of the reading frame. The frequency data for this variant in the population databases is considered unreliable, as metrics indicate poor data quality at this position in the gnomAD database. This variant has not been reported in the literature in individuals affected with CREBBP-related conditions. In summary, the available evidence is currently insufficient to determine the role of this variant in disease. Therefore, it has been classified as a Variant of Uncertain Significance.